The following is an entry in ClinVar:

NM_152416.4(NDUFAF6):c.420+13_420+15dup

Gene: NDUFAF6 (NADH:ubiquinone oxidoreductase complex assembly factor 6; plus strand). Cytogenetic location: 8q22.1.
Variant type: Duplication.
Coding change: c.420+13_420+15dup on transcript NM_152416.4 (MANE Select); bases 13 to 15 of the intron after coding-DNA position 420, 3 bases duplicated (AAA; older notation c.420+13_420+15dupAAA).
Molecular consequence: intron variant.
Genome position (GRCh38, 1-based): chr8:95,035,589-95,035,591, AAA duplicated; duplicating any 3 consecutive bases within chr8:95,035,579-95,035,591 gives the same sequence; the c. name uses the placement nearest the transcript's 3' end. VCF-style (leftmost placement, unchanged base first): chr8-95035578-T-TAAA. GRCh37 (hg19) VCF-style: chr8-96047806-T-TAAA.
Other names: c.87+13_87+15dup (NM_001354534.2, NM_001354518.2, NM_001354519.2 and 1 more transcripts); c.144+13_144+15dup (NM_001354514.2, NM_001354515.2, NM_001330582.2 and 1 more transcripts); c.-230+13_-230+15dup (NM_001354525.2, NM_001354524.2, NM_001354528.2 and 1 more transcripts); c.-161+13_-161+15dup (NM_001354522.2, NM_001354532.2, NM_001354530.2 and 1 more transcripts); c.264+13_264+15dup (NM_001354516.2); c.-259+13_-259+15dup (NM_001354527.2, NM_001354531.2).
Identifiers: ClinVar variation 1194975 (VCV001194975.11), dbSNP rs34960210, ClinGen allele CA4814768.

ClinVar aggregate classification (germline): Likely benign. Review status: criteria provided, multiple submitters, no conflicts (2 of 4 stars). 3 submissions from 3 submitters: Likely benign (3). Last evaluated 2025-10-01.

Submissions (3):

CeGaT Center for Human Genetics Tuebingen
Classification: Likely benign. Last evaluated: 2025-10-01. Review status: criteria provided, single submitter. Criteria: CeGaT Center For Human Genetics Tuebingen Variant Classification Criteria Version 2. Collection method: clinical testing. Allele origin: germline. Affected: yes. Observed: 1 variant allele.
Comment: NDUFAF6: BS1

Blueprint Genetics
Classification: Likely benign. Last evaluated: 2024-11-25. Review status: criteria provided, single submitter. Criteria: ACMG Guidelines, 2015. Collection method: clinical testing. Allele origin: germline.

GeneDx
Classification: Likely benign. Last evaluated: 2023-08-07. Review status: criteria provided, single submitter. Criteria: GeneDx Variant Classification Process June 2021. Collection method: clinical testing. Allele origin: germline. Affected: yes.
Comment: See Variant Classification Assertion Criteria.